The following is an entry in ClinVar:

NM_001038.6(SCNN1A):c.505_506del (p.Thr169fs)

Gene: SCNN1A (sodium channel epithelial 1 subunit alpha; minus strand). Cytogenetic location: 12p13.31.
Variant type: Deletion.
Coding change: c.505_506del on transcript NM_001038.6 (MANE Select); coding-DNA positions 505 to 506, 2 bases deleted (AC; older notation c.505_506delAC).
Protein change: p.Thr169fs; shifts the reading frame from threonine 169.
Molecular consequence: frameshift variant.
Genome position (GRCh38, 1-based): chr12:6,363,621-6,363,622, GT deleted on the plus strand (AC on the coding strand, the reverse complement: SCNN1A is on the minus strand); deleting any 2 consecutive bases within chr12:6,363,621-6,363,623 gives the same sequence; the c. name uses the placement nearest the transcript's 3' end. VCF-style (leftmost placement, unchanged base first): chr12-6363620-AGT-A. GRCh37 (hg19) VCF-style: chr12-6472786-AGT-A.
Other names: c.505_506delAC (NM_001038.5); c.574_575del, p.Thr192fs (NM_001159575.2); c.682_683del, p.Thr228fs (NM_001159576.2); short protein forms T192fs, T228fs, T169fs.
Identifiers: ClinVar variation 3575134 (VCV003575134.4).

ClinVar aggregate classification (germline): Pathogenic/Likely pathogenic. Review status: criteria provided, multiple submitters, no conflicts (2 of 4 stars). 3 submissions from 3 submitters: Pathogenic (2); Likely pathogenic (1). Last evaluated 2025-07-18.

Conditions:
SCNN1A-related disorder. Also called: SCNN1A-related condition; SCNN1A-related disorders.
Liddle syndrome 3. Identifiers: MedGen C4748292, MONDO:0029132, OMIM 618126.
Pseudohypoaldosteronism, type IB1, autosomal recessive. Also called: PHA I, AUTOSOMAL RECESSIVE; Pseudohypoaldosteronism, Type I, Recessive; Autosomal recessive pseudohypoaldosteronism type 1; Pseudohypoaldosteronism, Type I, Autosomal Recessive. Identifiers: Orphanet 171876, Orphanet 756, MedGen C5774176, MONDO:0009917, OMIM 264350.
Bronchiectasis with or without elevated sweat chloride 2 (BESC2). Identifiers: Orphanet 60033, MedGen C2751666, MONDO:0013087, OMIM 613021.

Submissions (3):

PreventionGenetics, part of Exact Sciences
Classification: Likely pathogenic for SCNN1A-related condition. Last evaluated: 2025-07-18. Review status: criteria provided, single submitter. Criteria: ACMG Guidelines, 2015. Collection method: clinical testing. Allele origin: germline.
Comment: The SCNN1A c.505_506delAC variant is predicted to result in a frameshift and premature protein termination (p.Thr169Serfs*36). To our knowledge, this variant has not been reported in the literature. This variant is reported in 0.0087% of alleles in individuals of Latino descent in gnomAD. Frameshift variants in SCNN1A are expected to be pathogenic. This variant is interpreted as likely pathogenic.

Labcorp Genetics (formerly Invitae), Labcorp
Classification: Pathogenic. Last evaluated: 2024-05-13. Review status: criteria provided, single submitter. Criteria: Invitae Variant Classification Sherloc (09022015). Collection method: clinical testing. Allele origin: germline.
Comment: This sequence change creates a premature translational stop signal (p.Thr169Serfs*36) in the SCNN1A gene. It is expected to result in an absent or disrupted protein product. Loss-of-function variants in SCNN1A are known to be pathogenic (PMID: 10403853, 23416952). This variant is present in population databases (no rsID available, gnomAD 0.009%). This premature translational stop signal has been observed in individual(s) with pseudohypoaldosteronism (PMID: 10403853). This variant is also known as 604delAC. For these reasons, this variant has been classified as Pathogenic.

Fulgent Genetics
Classification: Pathogenic for Pseudohypoaldosteronism, type IB1, autosomal recessive; Bronchiectasis with or without elevated sweat chloride 2; Liddle syndrome 3. Last evaluated: 2024-03-08. Review status: criteria provided, single submitter. Criteria: ACMG Guidelines, 2015. Collection method: clinical testing. Allele origin: germline.

Literature cited by the submitters: PubMed 10403853 (cited by Labcorp Genetics (formerly Invitae), Labcorp); PubMed 23416952 (cited by Labcorp Genetics (formerly Invitae), Labcorp).